The following is an entry in ClinVar:

NM_001256715.2(DNAAF3):c.1017C>A (p.His339Gln)

Genes: DNAAF3 (dynein axonemal assembly factor 3; minus strand), DNAAF3-AS1 (DNAAF3 antisense RNA 1; plus strand), LOC130065090 (ATAC-STARR-seq lymphoblastoid silent region 11016; plus strand). Cytogenetic location: 19q13.42.
Variant type: single nucleotide variant.
Coding change: c.1017C>A on transcript NM_001256715.2 (MANE Select); coding-DNA position 1017, C replaced by A.
Protein change: p.His339Gln; replaces histidine 339 with glutamine.
Molecular consequence: missense variant.
Genome position (GRCh38, 1-based): chr19:55,160,671, G>T on the plus strand (C>A on the coding strand, the complement: DNAAF3 is on the minus strand). VCF-style: chr19-55160671-G-T. GRCh37 (hg19) VCF-style: chr19-55672039-G-T.
Other names: c.855C>A, p.His285Gln (NM_001256716.2); c.1158C>A, p.His386Gln (NM_178837.4); c.1221C>A, p.His407Gln (NM_001256714.1); short protein forms H386Q, H407Q, H285Q, H339Q.
Identifiers: ClinVar variation 572205 (VCV000572205.8), dbSNP rs560113507, ClinGen allele CA407450774.

ClinVar aggregate classification (germline): Uncertain significance. Review status: criteria provided, multiple submitters, no conflicts (2 of 4 stars). 2 submissions from 2 submitters: Uncertain significance (2). Last evaluated 2025-03-09.

Conditions:
Primary ciliary dyskinesia. Also called: Ciliary dyskinesia. Identifiers: Orphanet 244, MedGen C0008780, MONDO:0016575, HP:0012265.

Allele frequency attached by ClinVar (database versions not stated): gnomAD 0.00001.

Submissions (2):

Ambry Genetics
Classification: Uncertain significance for Primary ciliary dyskinesia. Last evaluated: 2025-03-09. Review status: criteria provided, single submitter. Criteria: Ambry Variant Classification Scheme 2023. Collection method: clinical testing. Allele origin: germline.
Comment: The p.H407Q variant (also known as c.1221C>A), located in coding exon 9 of the DNAAF3 gene, results from a C to A substitution at nucleotide position 1221. The histidine at codon 407 is replaced by glutamine, an amino acid with highly similar properties. This amino acid position is conserved. In addition, this alteration is predicted to be tolerated by in silico analysis. Based on the available evidence, the clinical significance of this variant remains unclear.

Labcorp Genetics (formerly Invitae), Labcorp
Classification: Uncertain significance for Primary ciliary dyskinesia. Last evaluated: 2021-08-31. Review status: criteria provided, single submitter. Criteria: Invitae Variant Classification Sherloc (09022015). Collection method: clinical testing. Allele origin: germline.
Comment: This sequence change replaces histidine with glutamine at codon 407 of the DNAAF3 protein (p.His407Gln). The histidine residue is weakly conserved and there is a small physicochemical difference between histidine and glutamine. This variant is not present in population databases (ExAC no frequency). This variant has not been reported in the literature in individuals affected with DNAAF3-related conditions. Algorithms developed to predict the effect of missense changes on protein structure and function output the following: SIFT: "Tolerated"; PolyPhen-2: "Benign"; Align-GVGD: "Class C0". The glutamine amino acid residue is found in multiple mammalian species, which suggests that this missense change does not adversely affect protein function. In summary, the available evidence is currently insufficient to determine the role of this variant in disease. Therefore, it has been classified as a Variant of Uncertain Significance.